The following is an entry in ClinVar:

ClinVar aggregate classification (germline): Uncertain significance. Review status: criteria provided, multiple submitters, no conflicts (2 of 4 stars). 2 submissions from 2 submitters: Uncertain significance (2). Last evaluated 2025-08-07.

Conditions:
Inborn genetic diseases. Identifiers: MedGen C0950123, MeSH D030342.

Allele frequency attached by ClinVar (database versions not stated): ExAC 0.00001.
gnomAD v4.1: 4 of 1,613,984 alleles (0.00025%); highest among the groups gnomAD compares: Non-Finnish European, 0.00034%; no homozygotes.

Submissions (2):

Ambry Genetics
Classification: Uncertain significance for Inborn genetic diseases. Last evaluated: 2025-08-07. Review status: criteria provided, single submitter. Criteria: Ambry Variant Classification Scheme 2023. Collection method: clinical testing. Allele origin: germline.

Labcorp Genetics (formerly Invitae), Labcorp
Classification: Uncertain significance. Last evaluated: 2023-01-31. Review status: criteria provided, single submitter. Criteria: Invitae Variant Classification Sherloc (09022015). Collection method: clinical testing. Allele origin: germline.
Comment: In summary, the available evidence is currently insufficient to determine the role of this variant in disease. Therefore, it has been classified as a Variant of Uncertain Significance. Algorithms developed to predict the effect of missense changes on protein structure and function (SIFT, PolyPhen-2, Align-GVGD) all suggest that this variant is likely to be tolerated. This variant has not been reported in the literature in individuals affected with DIP2C-related conditions. This variant is present in population databases (rs778687534, gnomAD 0.002%). This sequence change replaces threonine, which is neutral and polar, with alanine, which is neutral and non-polar, at codon 884 of the DIP2C protein (p.Thr884Ala).

NM_014974.3(DIP2C):c.2650A>G (p.Thr884Ala)

Gene: DIP2C (DIP2 acetate--CoA ligase C (putative); minus strand). Cytogenetic location: 10p15.3.
Variant type: single nucleotide variant.
Coding change: c.2650A>G on transcript NM_014974.3 (MANE Select); coding-DNA position 2650, A replaced by G.
Protein change: p.Thr884Ala; replaces threonine 884 with alanine.
Molecular consequence: missense variant.
Genome position (GRCh38, 1-based): chr10:362,634, T>C on the plus strand (A>G on the coding strand, the complement: DIP2C is on the minus strand). VCF-style: chr10-362634-T-C. GRCh37 (hg19) VCF-style: chr10-408574-T-C.
Other names: c.2650A>G (NM_014974.2); short protein forms T884A.
Identifiers: ClinVar variation 2802780 (VCV002802780.4), dbSNP rs778687534, ClinGen allele CA5380353.